The following is an entry in ClinVar:

NM_001291303.3(FAT4):c.8447C>T (p.Ala2816Val)

Gene: FAT4 (FAT atypical cadherin 4; plus strand). Cytogenetic location: 4q28.1.
Variant type: single nucleotide variant.
Coding change: c.8447C>T on transcript NM_001291303.3 (MANE Select); coding-DNA position 8447, C replaced by T.
Protein change: p.Ala2816Val; replaces alanine 2816 with valine.
Molecular consequence: missense variant.
Genome position (GRCh38, 1-based): chr4:125,449,457, C>T. VCF-style: chr4-125449457-C-T. GRCh37 (hg19) VCF-style: chr4-126370612-C-T.
Other names: c.8447C>T, p.Ala2816Val (NM_001291285.3); c.8441C>T, p.Ala2814Val (NM_024582.6); c.8441C>T (NM_024582.4); short protein forms A2814V, A2816V.
Identifiers: ClinVar variation 1919607 (VCV001919607.4), dbSNP rs201838109, ClinGen allele CA3073378.

ClinVar aggregate classification (germline): Uncertain significance. Review status: criteria provided, multiple submitters, no conflicts (2 of 4 stars). 3 submissions from 3 submitters: Uncertain significance (3). Last evaluated 2026-03-31.

Conditions:
Inborn genetic diseases. Identifiers: MedGen C0950123, MeSH D030342.

Allele frequency attached by ClinVar (database versions not stated): TOPMed 0.00001.
gnomAD v4.1: 52 of 1,613,614 alleles (0.0032%); highest among the groups gnomAD compares: Non-Finnish European, 0.0042%; no homozygotes.

Submissions (3):

GeneDx
Classification: Uncertain significance. Last evaluated: 2026-03-31. Review status: criteria provided, single submitter. Criteria: GeneDx Variant Classification Process June 2021. Collection method: clinical testing. Allele origin: germline.
Comment: Not observed at significant frequency in large population cohorts (gnomAD); In silico analysis suggests that this missense variant does not alter protein structure/function; Has not been previously published as pathogenic or benign to our knowledge

Ambry Genetics
Classification: Uncertain significance for Inborn genetic diseases. Last evaluated: 2025-04-10. Review status: criteria provided, single submitter. Criteria: Ambry Variant Classification Scheme 2023. Collection method: clinical testing. Allele origin: germline.

Labcorp Genetics (formerly Invitae), Labcorp
Classification: Uncertain significance. Last evaluated: 2022-02-23. Review status: criteria provided, single submitter. Criteria: Invitae Variant Classification Sherloc (09022015). Collection method: clinical testing. Allele origin: germline.
Comment: This sequence change replaces alanine, which is neutral and non-polar, with valine, which is neutral and non-polar, at codon 2814 of the FAT4 protein (p.Ala2814Val). This variant is present in population databases (rs201838109, gnomAD 0.006%). This variant has not been reported in the literature in individuals affected with FAT4-related conditions. Advanced modeling of protein sequence and biophysical properties (such as structural, functional, and spatial information, amino acid conservation, physicochemical variation, residue mobility, and thermodynamic stability) performed at Invitae indicates that this missense variant is not expected to disrupt FAT4 protein function. In summary, the available evidence is currently insufficient to determine the role of this variant in disease. Therefore, it has been classified as a Variant of Uncertain Significance.